The following is an entry in ClinVar:

ClinVar aggregate classification (germline): Uncertain significance (1 of 4 stars; one submission).

Conditions:
Bardet-Biedl syndrome (BBS). Identifiers: Orphanet 110, MedGen C0752166, MONDO:0015229.

Submission:

Labcorp Genetics (formerly Invitae), Labcorp
Classification: Uncertain significance for Bardet-Biedl syndrome. Last evaluated: 2020-03-17. Review status: criteria provided, single submitter. Criteria: Invitae Variant Classification Sherloc (09022015). Collection method: clinical testing. Allele origin: germline.
Comment: Nucleotide substitutions within the consensus splice site are a relatively common cause of aberrant splicing (PMID: 17576681, 9536098). Algorithms developed to predict the effect of sequence changes on RNA splicing suggest that this variant may disrupt the consensus splice site, but this prediction has not been confirmed by published transcriptional studies. In summary, the available evidence is currently insufficient to determine the role of this variant in disease. Therefore, it has been classified as a Variant of Uncertain Significance. This variant has not been reported in the literature in individuals with BBS1-related conditions. This variant is not present in population databases (ExAC no frequency). This sequence change affects an acceptor splice site in the last intron (intron 16) of the BBS1 gene. While this is not anticipated to result in nonsense mediated decay, it likely alters RNA splicing and results in a disrupted protein product.

Literature cited by the submitters: PubMed 17576681; PubMed 9536098.

NM_024649.5(BBS1):c.1696-1G>A

Genes: BBS1 (Bardet-Biedl syndrome 1; plus strand), ZDHHC24 (zDHHC palmitoyltransferase 24; minus strand). Cytogenetic location: 11q13.2.
Variant type: single nucleotide variant.
Coding change: c.1696-1G>A on transcript NM_024649.5 (MANE Select); the canonical splice acceptor site of the intron before coding-DNA position 1696, G replaced by A.
Molecular consequence: splice acceptor variant. On other transcripts: intron variant (1).
Genome position (GRCh38, 1-based): chr11:66,531,950, G>A. VCF-style: chr11-66531950-G-A. GRCh37 (hg19) VCF-style: chr11-66299421-G-A.
Other names: c.560-2462C>T (NM_001348571.2).
Identifiers: ClinVar variation 1019802 (VCV001019802.7), dbSNP rs1856802024, ClinGen allele CA381426434.
Genomic context (GRCh38, chr11:66,531,950, plus strand): 5'-CGCAGACCAGGCAAGGGGTCAGGGGTGTATGCCCCCTGCTGCCATGGCCACTCCTCCATA[G>A]GTGCTGGTGCTTCGAGAAGGCCAAAGTGCACCCCTGCTGAGTGCCCACGTCAACATGCCT-3'